The following is an entry in ClinVar:

ClinVar aggregate classification (germline): Uncertain significance (1 of 4 stars; one submission).

Conditions:
Cardiovascular phenotype. Identifiers: MedGen CN230736.

Submission:

Ambry Genetics
Classification: Uncertain significance for Cardiovascular phenotype. Last evaluated: 2023-12-06. Review status: criteria provided, single submitter. Criteria: Ambry Variant Classification Scheme 2023. Collection method: clinical testing. Allele origin: germline.
Comment: The p.K4650E variant (also known as c.13948A>G), located in coding exon 96 of the RYR2 gene, results from an A to G substitution at nucleotide position 13948. The lysine at codon 4650 is replaced by glutamic acid, an amino acid with similar properties. This variant has been detected in an adolescent with aborted sudden cardiac death who was subsequently, reportedly, diagnosed with catecholaminergic polymorphic ventricular tachycardia (Hofman N et al. Pediatrics, 2007 Oct;120:e967-73; Kapplinger JD et al. Circ Genom Precis Med. 2018 Feb;11(2):e001424). This amino acid position is highly conserved in available vertebrate species. In addition, this alteration is predicted to be deleterious by in silico analysis. Since supporting evidence is limited at this time, the clinical significance of this alteration remains unclear.

Literature cited by the submitters: PubMed 17908752; PubMed 22787013; PubMed 29453246; PubMed 31112425.

NM_001035.3(RYR2):c.13948A>G (p.Lys4650Glu)

Gene: RYR2 (ryanodine receptor 2; plus strand). Cytogenetic location: 1q43.
Variant type: single nucleotide variant.
Coding change: c.13948A>G on transcript NM_001035.3 (MANE Select); coding-DNA position 13948, A replaced by G.
Protein change: p.Lys4650Glu; replaces lysine 4650 with glutamic acid.
Molecular consequence: missense variant.
Genome position (GRCh38, 1-based): chr1:237,795,323, A>G. VCF-style: chr1-237795323-A-G. GRCh37 (hg19) VCF-style: chr1-237958623-A-G.
Other names: short protein forms K4650E.
Identifiers: ClinVar variation 3232385 (VCV003232385.1), dbSNP rs1271614960, ClinGen allele CA345418645.
Genomic context (GRCh38, chr1:237,795,323, plus strand): 5'-TACTTCTATGCTTTTGTATATTTTAGGTCATTTCCCAACAACTACTGGGACAAATTTGTT[A>G]AAAGAAAGGTAATATTACTTGGAATCCTCTACATTTTTCTTAAAGCACAGTTTAGATTTT-3'
Protein context (NP_001026.2, residues 4640-4660): FPNNYWDKFV[Lys4650Glu]RKVMDKYGEF